The following is an entry in ClinVar:

NM_001130009.3(GEN1):c.382T>C (p.Trp128Arg)

Gene: GEN1 (GEN1 Holliday junction 5' flap endonuclease; plus strand). Cytogenetic location: 2p24.2.
Variant type: single nucleotide variant.
Coding change: c.382T>C on transcript NM_001130009.3 (MANE Select); coding-DNA position 382, T replaced by C.
Protein change: p.Trp128Arg; replaces tryptophan 128 with arginine.
Molecular consequence: missense variant.
Genome position (GRCh38, 1-based): chr2:17,764,930, T>C. VCF-style: chr2-17764930-T-C. GRCh37 (hg19) VCF-style: chr2-17946197-T-C.
Other names: c.382T>C, p.Trp128Arg (NM_182625.5); short protein forms W128R.
Identifiers: ClinVar variation 4029146 (VCV004029146.1).

ClinVar aggregate classification (germline): Uncertain significance (1 of 4 stars; one submission).

gnomAD v4.1: 5 of 1,613,992 alleles (0.00031%); highest among the groups gnomAD compares: African/African-American, 0.0053%; no homozygotes.

Submission:

Ambry Genetics
Classification: Uncertain significance. Last evaluated: 2025-03-15. Review status: criteria provided, single submitter. Criteria: Ambry Variant Classification Scheme 2023. Collection method: clinical testing. Allele origin: germline.
Comment: The p.W128R variant (also known as c.382T>C), located in coding exon 3 of the GEN1 gene, results from a T to C substitution at nucleotide position 382. The tryptophan at codon 128 is replaced by arginine, an amino acid with dissimilar properties. This amino acid position is conserved. In addition, this alteration is predicted to be deleterious by in silico analysis. Based on the available evidence, the clinical significance of this variant remains unclear.